The following is an entry in ClinVar:

ClinVar aggregate classification (germline): Likely pathogenic (1 of 4 stars; one submission).

Conditions:
Hyper-IgE recurrent infection syndrome 3, autosomal recessive. Also called: Autosomal recessive hyper-IgE syndrome due to ZNF341 deficiency; HYPER-IgE SYNDROME 3, AUTOSOMAL RECESSIVE, WITH RECURRENT INFECTIONS. Identifiers: Orphanet 641368, MedGen C4748969, MONDO:0032654, OMIM 618282.

Submission:

Labcorp Genetics (formerly Invitae), Labcorp
Classification: Likely pathogenic for Combined immunodeficiency due to DOCK8 deficiency. Last evaluated: 2024-01-10. Review status: criteria provided, single submitter. Criteria: Invitae Variant Classification Sherloc (09022015). Collection method: clinical testing. Allele origin: germline.
Comment: This variant results in a copy number gain of the genomic region encompassing exon(s) 2-12 of the DOCK8 gene. While the exact position of this variant cannot be determined from the data, sub-genic copy number gains are generally in tandem (PMID: 25640679). This variant is predicted to be out-of-frame, and may result in an absent or disrupted protein product. Loss-of-function variants in DOCK8 are known to be pathogenic (PMID: 14722525, 19776401). This variant has not been reported in the literature in individuals affected with DOCK8-related conditions. In summary, the currently available evidence indicates that the variant is pathogenic, but additional data are needed to prove that conclusively. Therefore, this variant has been classified as Likely Pathogenic.

Literature cited by the submitters: PubMed 25640679; PubMed 14722525; PubMed 19776401.

NC_000009.11:g.(?_271607)_(336738_?)dup

Gene: DOCK8 (dedicator of cytokinesis 8; plus strand). Cytogenetic location: 9p24.3.
Variant type: Duplication.
Identifiers: ClinVar variation 2427714 (VCV002427714.8).